The following is an entry in ClinVar:

NM_002473.6(MYH9):c.1098C>T (p.Pro366=)

Gene: MYH9 (myosin heavy chain 9; minus strand). Cytogenetic location: 22q12.3.
Variant type: single nucleotide variant.
Coding change: c.1098C>T on transcript NM_002473.6 (MANE Select); coding-DNA position 1098, C replaced by T.
Protein change: p.Pro366=; no amino-acid change (proline 366 retained).
Molecular consequence: synonymous variant.
Genome position (GRCh38, 1-based): chr22:36,319,550, G>A on the plus strand (C>T on the coding strand, the complement: MYH9 is on the minus strand). VCF-style: chr22-36319550-G-A. GRCh37 (hg19) VCF-style: chr22-36715595-G-A.
Other names: p.Pro366=; c.1098C>T (NM_002473.5).
Identifiers: ClinVar variation 341530 (VCV000341530.20), dbSNP rs537679678, ClinGen allele CA10210390.
Genomic context (GRCh38, chr22:36,319,550, plus strand): 5'-ATGGCCAAGCACCTGCCCCATTATTTCCAGCGAGAGGCCCCGGGTGTTACCTGTGTTGTC[G>A]GGCATGGACGCCTGGTCAGTGTTCCGCTCCTTCTTGAAGACGATGTTGCCGAGCTGAAGA-3'
Protein context (NP_002464.1, residues 356-376): KERNTDQASM[Pro366=]DNTAAQKVSH

ClinVar aggregate classification (germline): Conflicting classifications of pathogenicity. Review status: criteria provided, conflicting classifications (1 of 4 stars). 8 submissions from 7 submitters: Uncertain significance (1); Benign (2); Likely benign (4). 1 of the submissions does not count toward it. Last evaluated 2026-01-24.

Conditions:
Autosomal dominant nonsyndromic hearing loss 17. Also called: Deafness, autosomal dominant 17; Autosomal dominant nonsyndromic deafness 17. Identifiers: Orphanet 90635, MedGen C1863659, MONDO:0011350, OMIM 603622.
MYH9-related disorder. Identifiers: MedGen C1854520.

Allele frequency attached by ClinVar (database versions not stated): TOPMed 0.00014; ExAC 0.00015; 1000 Genomes Project 30x 0.00016; 1000 Genomes Project 0.00020; gnomAD 0.00020 and 0.00021.
gnomAD v4.1: 185 of 1,614,118 alleles (0.011%); highest among the groups gnomAD compares: Admixed American, 0.11%; no homozygotes.

Submissions (8):

Labcorp Genetics (formerly Invitae), Labcorp
Classification: Benign. Last evaluated: 2026-01-24. Review status: criteria provided, single submitter. Criteria: Invitae Variant Classification Sherloc (09022015). Collection method: clinical testing. Allele origin: germline.

ARUP Laboratories, Molecular Genetics and Genomics, ARUP Laboratories
Classification: Likely benign. Last evaluated: 2025-06-24. Review status: criteria provided, single submitter. Criteria: ARUP Molecular Germline Variant Investigation Process 2024. Collection method: clinical testing. Allele origin: germline.

Mayo Clinic Laboratories, Mayo Clinic
Classification: Likely benign. Last evaluated: 2024-10-28. Review status: criteria provided, single submitter. Criteria: ACMG Guidelines, 2015. Collection method: clinical testing. Allele origin: germline. Observed: 2 variant alleles.
Comment: BS1, BP4, BP7

Blueprint Genetics
Classification: Likely benign. Last evaluated: 2024-10-01. Review status: criteria provided, single submitter. Criteria: ACMG Guidelines, 2015. Collection method: clinical testing. Allele origin: germline.

GeneDx
Classification: Likely benign. Last evaluated: 2020-05-18. Review status: criteria provided, single submitter. Criteria: GeneDx Variant Classification Process June 2021. Collection method: clinical testing. Allele origin: germline. Affected: yes.

Illumina Laboratory Services, Illumina
Classification: Uncertain significance for Autosomal dominant nonsyndromic hearing loss 17. Last evaluated: 2018-01-13. Review status: criteria provided, single submitter. Criteria: ICSL Variant Classification Criteria 13 December 2019. Collection method: clinical testing. Allele origin: germline.

Illumina Laboratory Services, Illumina
Classification: Benign for MYH9-related disorder. Last evaluated: 2018-01-13. Review status: criteria provided, single submitter. Criteria: ICSL Variant Classification Criteria 13 December 2019. Collection method: clinical testing. Allele origin: germline.
Comment: This variant was observed in the ICSL laboratory as part of a predisposition screen in an ostensibly healthy population. It had not been previously curated by ICSL or reported in the Human Gene Mutation Database (HGMD: prior to June 1st, 2018), and was therefore a candidate for classification through an automated scoring system. Utilizing variant allele frequency, disease prevalence and penetrance estimates, and inheritance mode, an automated score was calculated to assess if this variant is too frequent to cause the disease. Based on the score and internal cut-off values, a variant classified as benign is not then subjected to further curation. The score for this variant resulted in a classification of benign for this disease.

PreventionGenetics, part of Exact Sciences
Classification: Likely benign for MYH9-related condition. Last evaluated: 2019-07-23. Review status: no assertion criteria provided. Collection method: clinical testing. Allele origin: germline. Not counted in ClinVar's aggregate classification.
Comment: This variant is classified as likely benign based on ACMG/AMP sequence variant interpretation guidelines (Richards et al. 2015 PMID: 25741868, with internal and published modifications).